The following is an entry in ClinVar:

ClinVar aggregate classification (germline): Conflicting classifications of pathogenicity. Review status: criteria provided, conflicting classifications (1 of 4 stars). 2 submissions from 2 submitters: Likely pathogenic (1); Uncertain significance (1). Last evaluated 2023-09-01.

Conditions:
Cardiovascular phenotype. Identifiers: MedGen CN230736.
Hereditary hemorrhagic telangiectasia (HHT). Also called: Osler hemorrhagic telangiectasia syndrome; ORW DISEASE; Osler Weber Rendu syndrome; OSLER-RENDU-WEBER DISEASE. Identifiers: Orphanet 774, MedGen C0039445, MONDO:0019180. Disease mechanism: loss of function.

Submissions (2):

Ambry Genetics
Classification: Uncertain significance for Cardiovascular phenotype. Last evaluated: 2023-09-01. Review status: criteria provided, single submitter. Criteria: Ambry Variant Classification Scheme 2023. Collection method: clinical testing. Allele origin: germline.
Comment: The p.C30Y variant (also known as c.89G>A), located in coding exon 2 of the ENG gene, results from a G to A substitution at nucleotide position 89. The cysteine at codon 30 is replaced by tyrosine, an amino acid with highly dissimilar properties. This amino acid position is highly conserved in available vertebrate species. In addition, this alteration is predicted to be deleterious by in silico analysis. Since supporting evidence is limited at this time, the clinical significance of this alteration remains unclear.

Labcorp Genetics (formerly Invitae), Labcorp
Classification: Likely pathogenic for Hereditary hemorrhagic telangiectasia. Last evaluated: 2023-07-27. Review status: criteria provided, single submitter. Criteria: Invitae Variant Classification Sherloc (09022015). Collection method: clinical testing. Allele origin: germline.
Comment: This sequence change replaces cysteine, which is neutral and slightly polar, with tyrosine, which is neutral and polar, at codon 30 of the ENG protein (p.Cys30Tyr). This variant is not present in population databases (gnomAD no frequency). This missense change has been observed in individual(s) with clinical features of hereditary hemorrhagic telangiectasia (Invitae). Advanced modeling of protein sequence and biophysical properties (such as structural, functional, and spatial information, amino acid conservation, physicochemical variation, residue mobility, and thermodynamic stability) performed at Invitae indicates that this missense variant is expected to disrupt ENG protein function. This variant disrupts the p.Cys30 amino acid residue in ENG. Other variant(s) that disrupt this residue have been determined to be pathogenic (PMID: 25970827, 32300199, 33282178). This suggests that this residue is clinically significant, and that variants that disrupt this residue are likely to be disease-causing. In summary, the currently available evidence indicates that the variant is pathogenic, but additional data are needed to prove that conclusively. Therefore, this variant has been classified as Likely Pathogenic.

Literature cited by the submitters: PubMed 25970827 (cited by Labcorp Genetics (formerly Invitae), Labcorp); PubMed 32300199 (cited by Labcorp Genetics (formerly Invitae), Labcorp); PubMed 33282178 (cited by Labcorp Genetics (formerly Invitae), Labcorp).

NM_001114753.3(ENG):c.89G>A (p.Cys30Tyr)

Gene: ENG (endoglin; minus strand). Cytogenetic location: 9q34.11.
Variant type: single nucleotide variant.
Coding change: c.89G>A on transcript NM_001114753.3 (MANE Select); coding-DNA position 89, G replaced by A.
Protein change: p.Cys30Tyr; replaces cysteine 30 with tyrosine.
Molecular consequence: missense variant. On other transcripts: 5 prime UTR variant (1).
Genome position (GRCh38, 1-based): chr9:127,843,224, C>T on the plus strand (G>A on the coding strand, the complement: ENG is on the minus strand). VCF-style: chr9-127843224-C-T. GRCh37 (hg19) VCF-style: chr9-130605503-C-T.
Other names: c.89G>A, p.Cys30Tyr (NM_000118.4, NM_001406715.1); c.-458G>A (NM_001278138.2); short protein forms C30Y.
Identifiers: ClinVar variation 2586944 (VCV002586944.5), dbSNP rs2539107670, ClinGen allele CA374989175.